The following is an entry in ClinVar:

NM_000081.4(LYST):c.10370A>G (p.Tyr3457Cys)

Gene: LYST (lysosomal trafficking regulator; minus strand). Cytogenetic location: 1q42.3.
Variant type: single nucleotide variant.
Coding change: c.10370A>G on transcript NM_000081.4 (MANE Select); coding-DNA position 10370, A replaced by G.
Protein change: p.Tyr3457Cys; replaces tyrosine 3457 with cysteine.
Molecular consequence: missense variant.
Genome position (GRCh38, 1-based): chr1:235,702,751, T>C on the plus strand (A>G on the coding strand, the complement: LYST is on the minus strand). VCF-style: chr1-235702751-T-C. GRCh37 (hg19) VCF-style: chr1-235866051-T-C.
Other names: c.10370A>G, p.Tyr3457Cys (NM_001301365.1); short protein forms Y3457C.
Identifiers: ClinVar variation 656753 (VCV000656753.3), dbSNP rs764592920, ClinGen allele CA1465388.

ClinVar aggregate classification (germline): Uncertain significance (1 of 4 stars; one submission).

Conditions:
Chédiak-Higashi syndrome (CHS). Also called: Chediak-Higashi Syndrome. Identifiers: Orphanet 167, MedGen C0007965, MONDO:0008963, OMIM 214500.

Allele frequency attached by ClinVar (database versions not stated): gnomAD exomes below 0.00001; ExAC 0.00001; gnomAD 0.00001.
gnomAD v4.1: 5 of 1,613,356 alleles (0.00031%); highest among the groups gnomAD compares: Middle Eastern, 0.016%; no homozygotes.

Submission:

Labcorp Genetics (formerly Invitae), Labcorp
Classification: Uncertain significance for Chédiak-Higashi syndrome. Last evaluated: 2022-07-25. Review status: criteria provided, single submitter. Criteria: Invitae Variant Classification Sherloc (09022015). Collection method: clinical testing. Allele origin: germline.
Comment: This sequence change replaces tyrosine, which is neutral and polar, with cysteine, which is neutral and slightly polar, at codon 3457 of the LYST protein (p.Tyr3457Cys). This variant is present in population databases (rs764592920, gnomAD 0.0009%). This variant has not been reported in the literature in individuals affected with LYST-related conditions. ClinVar contains an entry for this variant (Variation ID: 656753). Algorithms developed to predict the effect of missense changes on protein structure and function are either unavailable or do not agree on the potential impact of this missense change (SIFT: "Tolerated"; PolyPhen-2: "Possibly Damaging"; Align-GVGD: "Class C0"). In summary, the available evidence is currently insufficient to determine the role of this variant in disease. Therefore, it has been classified as a Variant of Uncertain Significance.